The following is an entry in ClinVar:

NM_030787.4(CFHR5):c.254-2_266dup

Gene: CFHR5 (complement factor H related 5; plus strand). Cytogenetic location: 1q31.3.
Variant type: Duplication.
Coding change: c.254-2_266dup on transcript NM_030787.4 (MANE Select); the canonical splice acceptor site of the intron before coding-DNA position 254 through coding-DNA position 266, 15 bases duplicated (AGGAATGTGTTCCTT).
Molecular consequence: splice acceptor variant.
Genome position (GRCh38, 1-based): chr1:196,983,959-196,983,973, AGGAATGTGTTCCTT duplicated; duplicating any 15 consecutive bases within chr1:196,983,951-196,983,973 gives the same sequence; the c. name uses the placement nearest the transcript's 3' end. VCF-style (leftmost placement, unchanged base first): chr1-196983950-T-TTGTTCCTTAGGAATG. GRCh37 (hg19) VCF-style: chr1-196953080-T-TTGTTCCTTAGGAATG.
Other names: c.254-2_266dup15 (NM_030787.4).
Identifiers: ClinVar variation 1163773 (VCV001163773.12), dbSNP rs781568341, ClinGen allele CA1307682.

ClinVar aggregate classification (germline): Conflicting classifications of pathogenicity. Review status: criteria provided, conflicting classifications (1 of 4 stars). 5 submissions from 5 submitters: Uncertain significance (2); Benign (1); Likely benign (2). Last evaluated 2026-01-01.

Submissions (5):

Labcorp Genetics (formerly Invitae), Labcorp
Classification: Likely benign. Last evaluated: 2026-01-01. Review status: criteria provided, single submitter. Criteria: Invitae Variant Classification Sherloc (09022015). Collection method: clinical testing. Allele origin: germline.

Women's Health and Genetics/Laboratory Corporation of America, LabCorp
Classification: Benign. Last evaluated: 2025-12-01. Review status: criteria provided, single submitter. Criteria: LabCorp Variant Classification Summary - May 2015. Collection method: clinical testing. Allele origin: germline.
Comment: Variant summary: CFHR5 c.254-2_266dup15 is located in a canonical splice-site and is predicted to affect mRNA splicing resulting in a significantly altered protein due to either exon skipping, shortening, or inclusion of intronic material. Variants that disrupt the consensus splice site are a relatively common cause of aberrant splicing, however current evidence is not sufficient to establish loss of function as a mechanism for disease. Several computational tools predict a significant impact on normal splicing: Two predict the variant creates a new 3' acceptor site. One predicts the variant weakens the canonical 3' acceptor site. One predicts the variant has no significant impact on splicing. However, these predictions have yet to be confirmed by functional studies. The variant allele was found at a frequency of 0.00094 in 249418 control chromosomes in the gnomAD database, including 1 homozygote. The observed variant frequency exceeds the estimated maximal expected allele frequency for disease-causing variants in CFHR5. c.254-2_266dup15 has been observed in two individuals affected with atypical hemolytic uremic syndrome and one individual with HELLP syndrome, however in all three cases a second variant in a different gene was also reported (Bazzan_2020, Palma_2020, Nga_2021). These reports do not provide unequivocal conclusions about association of the variant with CFHR5 deficiency. To our knowledge, no experimental evidence demonstrating an impact on protein function has been reported. The following publications have been ascertained in the context of this evaluation (PMID: 32890900, 34748552, 33841858). ClinVar contains an entry for this variant (Variation ID: 1163773). Based on the evidence outlined above, the variant was classified as benign.

Blueprint Genetics
Classification: Likely benign. Last evaluated: 2024-11-22. Review status: criteria provided, single submitter. Criteria: ACMG Guidelines, 2015. Collection method: clinical testing. Allele origin: germline.

GeneDx
Classification: Uncertain significance. Last evaluated: 2023-08-01. Review status: criteria provided, single submitter. Criteria: GeneDx Variant Classification Process June 2021. Collection method: clinical testing. Allele origin: germline. Affected: yes.
Comment: Identified in patients with atypical hemolytic uremic syndrome and a patient with HELLP syndrome; all patients were reported to have an additional variant in another gene (Nga et al., 2021; Palma et al., 2021; Bazzan et al., 2020); In silico analysis suggests this variant may impact gene splicing; in the absence of RNA/functional studies, the actual effect of this sequence change is unknown; This variant is associated with the following publications: (PMID: 32890900, 33841858, 34748552)

Mayo Clinic Laboratories, Mayo Clinic
Classification: Uncertain significance. Last evaluated: 2020-12-15. Review status: criteria provided, single submitter. Criteria: ACMG Guidelines, 2015. Collection method: clinical testing. Allele origin: germline. Observed: 3 variant alleles.

Literature cited by the submitters: PubMed 34748552 (cited by Women's Health and Genetics/Laboratory Corporation of America, LabCorp); PubMed 32890900 (cited by Women's Health and Genetics/Laboratory Corporation of America, LabCorp); PubMed 33841858 (cited by Women's Health and Genetics/Laboratory Corporation of America, LabCorp).